The following is an entry in ClinVar:

ClinVar aggregate classification (germline): Conflicting classifications of pathogenicity. Review status: criteria provided, conflicting classifications (1 of 4 stars). 8 submissions from 8 submitters: Uncertain significance (1); Benign (1); Likely benign (6). Last evaluated 2026-06-29.

Conditions:
POLD1-related disorder. Also called: POLD1-related condition; POLD1-related disorders.
Hereditary cancer-predisposing syndrome. Also called: Tumor predisposition; Hereditary neoplastic syndrome; Hereditary Cancer Syndrome; Neoplastic Syndromes, Hereditary. Identifiers: Orphanet 140162, MedGen C0027672, MeSH D009386, MONDO:0015356.
POLD1-related polyposis and colorectal cancer syndrome (CRCS10). Also called: COLORECTAL CANCER, SUSCEPTIBILITY TO, ON CHROMOSOME 19q; Colorectal cancer 10; Colorectal cancer, susceptibility to, 10. Identifiers: Orphanet 220460, MedGen C2675481, MONDO:0012953, OMIM 612591.

Allele frequency attached by ClinVar (database versions not stated): gnomAD 0.00003 and 0.00004; TOPMed 0.00011; ExAC 0.00020.
gnomAD v4.1: 61 of 1,435,618 alleles (0.0042%); highest among the groups gnomAD compares: Admixed American, 0.11%; no homozygotes.

Submissions (8):

PreventionGenetics, part of Exact Sciences
Classification: Likely benign for POLD1-related condition. Last evaluated: 2026-06-29. Review status: criteria provided, single submitter. Criteria: ACMG Guidelines, 2015. Collection method: clinical testing. Allele origin: germline.
Comment: This variant is classified as likely benign based on ACMG/AMP sequence variant interpretation guidelines (Richards et al. 2015 PMID: 25741868, with internal and published modifications).

CeGaT Center for Human Genetics Tuebingen
Classification: Likely benign. Last evaluated: 2026-06-01. Review status: criteria provided, single submitter. Criteria: CeGaT Center For Human Genetics Tuebingen Variant Classification Criteria Version 2. Collection method: clinical testing. Allele origin: germline. Affected: yes. Observed: 1 variant allele.
Comment: POLD1: BS1:Supporting

Labcorp Genetics (formerly Invitae), Labcorp
Classification: Likely benign for POLD1-related polyposis and colorectal cancer syndrome. Last evaluated: 2026-02-01. Review status: criteria provided, single submitter. Criteria: Invitae Variant Classification Sherloc (09022015). Collection method: clinical testing. Allele origin: germline.

Quest Diagnostics Nichols Institute San Juan Capistrano
Classification: Benign. Last evaluated: 2022-06-29. Review status: criteria provided, single submitter. Criteria: Quest Diagnostics criteria. Collection method: clinical testing. Allele origin: unknown.

Ambry Genetics
Classification: Likely benign for Hereditary cancer-predisposing syndrome. Last evaluated: 2021-09-07. Review status: criteria provided, single submitter. Criteria: Ambry Variant Classification Scheme 2023. Collection method: clinical testing. Allele origin: germline.

Sema4
Classification: Likely benign for Hereditary cancer-predisposing syndrome. Last evaluated: 2021-05-06. Review status: criteria provided, single submitter. Criteria: Sema4 Curation Guidelines. Collection method: curation. Allele origin: germline.

GeneDx
Classification: Likely benign. Last evaluated: 2020-10-30. Review status: criteria provided, single submitter. Criteria: GeneDx Variant Classification Process June 2021. Collection method: clinical testing. Allele origin: germline. Affected: yes.
Comment: Has not been previously published as pathogenic or benign germline variant to our knowledge; This variant is associated with the following publications: (PMID: 7704014, 27161865, 10074927, 20951805, 24816253)

Genetic Services Laboratory, University of Chicago
Classification: Uncertain significance. Last evaluated: 2019-07-01. Review status: criteria provided, single submitter. Criteria: ACMG Guidelines, 2015. Collection method: clinical testing. Allele origin: germline. Affected: no.

Literature cited by the submitters: PubMed 10074927 (cited by Quest Diagnostics Nichols Institute San Juan Capistrano and Ambry Genetics); PubMed 27161865 (cited by Quest Diagnostics Nichols Institute San Juan Capistrano and Ambry Genetics).

NM_002691.4(POLD1):c.1504G>A (p.Asp502Asn)

Gene: POLD1 (DNA polymerase delta 1, catalytic subunit; plus strand). Cytogenetic location: 19q13.33.
Variant type: single nucleotide variant.
Coding change: c.1504G>A on transcript NM_002691.4 (MANE Select); coding-DNA position 1504, G replaced by A.
Protein change: p.Asp502Asn; replaces aspartic acid 502 with asparagine.
Molecular consequence: missense variant. On other transcripts: non-coding transcript variant (1).
Genome position (GRCh38, 1-based): chr19:50,406,992, G>A. VCF-style: chr19-50406992-G-A. GRCh37 (hg19) VCF-style: chr19-50910249-G-A.
Other names: c.1504G>A, p.Asp502Asn (NM_001256849.1, NM_001308632.1); short protein forms D502N.
Identifiers: ClinVar variation 414774 (VCV000414774.25), dbSNP rs777866589, ClinGen allele CA9596164.